The following is an entry in ClinVar:

NM_018133.4(MSL2):c.515C>T (p.Ala172Val)

Gene: MSL2 (MSL complex subunit 2; minus strand). Cytogenetic location: 3q22.3.
Variant type: single nucleotide variant.
Coding change: c.515C>T on transcript NM_018133.4 (MANE Select); coding-DNA position 515, C replaced by T.
Protein change: p.Ala172Val; replaces alanine 172 with valine.
Molecular consequence: missense variant.
Genome position (GRCh38, 1-based): chr3:136,152,366, G>A on the plus strand (C>T on the coding strand, the complement: MSL2 is on the minus strand). VCF-style: chr3-136152366-G-A. GRCh37 (hg19) VCF-style: chr3-135871208-G-A.
Other names: c.293C>T, p.Ala98Val (NM_001145417.2); short protein forms A172V, A98V.
Identifiers: ClinVar variation 5010124 (VCV005010124.1).

ClinVar aggregate classification (germline): Uncertain significance (1 of 4 stars; one submission).

Submission:

GeneDx
Classification: Uncertain significance. Last evaluated: 2026-02-24. Review status: criteria provided, single submitter. Criteria: GeneDx Variant Classification Process June 2021. Collection method: clinical testing. Allele origin: germline.
Comment: Not observed at significant frequency in large population cohorts (gnomAD); In silico analysis suggests that this missense variant does not alter protein structure/function; Has not been previously published as pathogenic or benign to our knowledge